The following is an entry in ClinVar:

ClinVar aggregate classification (germline): Uncertain significance (1 of 4 stars; one submission).

Conditions:
Tuberous sclerosis 2 (TSC2). Identifiers: Orphanet 805, MedGen C1860707, MONDO:0013199, OMIM 613254.

Submission:

Labcorp Genetics (formerly Invitae), Labcorp
Classification: Uncertain significance for Tuberous sclerosis 2. Last evaluated: 2024-04-17. Review status: criteria provided, single submitter. Criteria: Invitae Variant Classification Sherloc (09022015). Collection method: clinical testing. Allele origin: germline.
Comment: This sequence change replaces phenylalanine, which is neutral and non-polar, with leucine, which is neutral and non-polar, at codon 640 of the TSC2 protein (p.Phe640Leu). This variant is not present in population databases (gnomAD no frequency). This variant has not been reported in the literature in individuals affected with TSC2-related conditions. Advanced modeling of protein sequence and biophysical properties (such as structural, functional, and spatial information, amino acid conservation, physicochemical variation, residue mobility, and thermodynamic stability) performed at Invitae indicates that this missense variant is not expected to disrupt TSC2 protein function with a negative predictive value of 95%. In summary, the available evidence is currently insufficient to determine the role of this variant in disease. Therefore, it has been classified as a Variant of Uncertain Significance.

NM_000548.5(TSC2):c.1918T>C (p.Phe640Leu)

Gene: TSC2 (TSC complex subunit 2; plus strand). Cytogenetic location: 16p13.3.
Variant type: single nucleotide variant.
Coding change: c.1918T>C on transcript NM_000548.5 (MANE Select); coding-DNA position 1918, T replaced by C.
Protein change: p.Phe640Leu; replaces phenylalanine 640 with leucine.
Molecular consequence: missense variant. On other transcripts: non-coding transcript variant (5).
Genome position (GRCh38, 1-based): chr16:2,071,588, T>C. VCF-style: chr16-2071588-T-C. GRCh37 (hg19) VCF-style: chr16-2121589-T-C.
Other names: c.1918T>C, p.Phe640Leu (NM_001077183.3, NM_001114382.3, NM_001363528.2 and 6 more transcripts); c.1807T>C, p.Phe603Leu (NM_001318827.2, NM_001406670.1, NM_001406678.1); c.1771T>C, p.Phe591Leu (NM_001318829.2, NM_001406675.1, NM_001406676.1 and 1 more transcripts); c.1318T>C, p.Phe440Leu (NM_001318831.2, NM_001406680.1, NM_001406682.1 and 6 more transcripts); c.1951T>C, p.Phe651Leu (NM_001318832.2); c.2008T>C, p.Phe670Leu (NM_001406667.1, NM_001406668.1); c.574T>C, p.Phe192Leu (NM_001406690.1, NM_001406691.1, NM_001406692.1 and 6 more transcripts); c.316T>C, p.Phe106Leu (NM_001406698.1); and 3 more; short protein forms F636L, F603L, F621L, F192L, F440L, F591L, F640L, F670L.
Identifiers: ClinVar variation 2713810 (VCV002713810.3), dbSNP rs2151298434, ClinGen allele CA394273237.